The following is an entry in ClinVar:

ClinVar aggregate classification (germline): Likely pathogenic (1 of 4 stars; one submission).

Conditions:
X-linked Alport syndrome (ATS1). Also called: NEPHROPATHY AND DEAFNESS, X-LINKED; COL4A5-Related Nephropathy. Identifiers: Orphanet 63, Orphanet 88917, MedGen C4746986, MONDO:0010520, OMIM 301050.

Submission:

Juno Genomics, Hangzhou Juno Genomics, Inc
Classification: Likely pathogenic for X-linked Alport syndrome. Review status: criteria provided, single submitter. Criteria: ACMG Guidelines, 2015. Collection method: clinical testing. Allele origin: germline. Affected: yes.
Comment: Absent from controls (or at extremely low frequency if recessive) in Genome Aggregation Database, Exome Sequencing Project, 1000 Genomes Project, or Exome Aggregation Consortium.;Multiple lines of computational evidence support a deleterious effect on the gene or gene product (conservation, evolutionary, splicing impact, etc).;Patient's phenotype or family history is highly specific for a disease with a single genetic etiology.;Located in a mutational hot spot and/or critical and well-established functional domain (e.g. active site of an enzyme) without benign variation.;Novel missense change at an amino acid residue where a different missense change determined to be pathogenic has been seen before.

NM_033380.3(COL4A5):c.1216G>T (p.Gly406Cys)

Gene: COL4A5 (collagen type IV alpha 5 chain; plus strand). Cytogenetic location: Xq22.3.
Variant type: single nucleotide variant.
Coding change: c.1216G>T on transcript NM_033380.3 (MANE Select); coding-DNA position 1216, G replaced by T.
Protein change: p.Gly406Cys; replaces glycine 406 with cysteine.
Molecular consequence: missense variant.
Genome position (GRCh38, 1-based): chrX:108,591,108, G>T. VCF-style: chrX-108591108-G-T. GRCh37 (hg19) VCF-style: chrX-107834338-G-T.
Other names: c.1216G>T, p.Gly406Cys (NM_000495.5); short protein forms G406C.
Identifiers: ClinVar variation 3382944 (VCV003382944.2).